The following is an entry in ClinVar:

NM_006197.4(PCM1):c.1313A>C (p.Gln438Pro)

Gene: PCM1 (pericentriolar material 1; plus strand). Cytogenetic location: 8p22.
Variant type: single nucleotide variant.
Coding change: c.1313A>C on transcript NM_006197.4 (MANE Select); coding-DNA position 1313, A replaced by C.
Protein change: p.Gln438Pro; replaces glutamine 438 with proline.
Molecular consequence: missense variant. On other transcripts: non-coding transcript variant (1).
Genome position (GRCh38, 1-based): chr8:17,955,494, A>C. VCF-style: chr8-17955494-A-C. GRCh37 (hg19) VCF-style: chr8-17813003-A-C.
Other names: c.1313A>C, p.Gln438Pro (NM_001315507.2, NM_001315508.2, NM_001352634.2 and 18 more transcripts); c.1430A>C, p.Gln477Pro (NM_001352632.2, NM_001352633.2, NM_001352636.2 and 7 more transcripts); short protein forms Q438P, Q477P.
Identifiers: ClinVar variation 4991893 (VCV004991893.1).
Genomic context (GRCh38, chr8:17,955,494, plus strand): 5'-ATTAAAAAAAATTTTTTGTTGTTGTGCCTTCTTCAGCCTCTCCACAAAGGAGTGTCGATC[A>C]GAGAAGTACTTCAGCTCCCTCTGCTTCTGTAGGCTTGGCACCGGTTGTCAATGGAGAATC-3'
Protein context (NP_006188.4, residues 428-448): SSSSPQRSVD[Gln438Pro]RSTSAPSASV

ClinVar aggregate classification (germline): Uncertain significance (1 of 4 stars; one submission).

Conditions:
PCM1-related disorder. Also called: PCM1-related condition.

gnomAD v4.1: 1 of 1,610,790 alleles (0.000062%); highest among the groups gnomAD compares: African/African-American, 0.0013%; no homozygotes.

Submission:

PreventionGenetics, part of Exact Sciences
Classification: Uncertain significance for PCM1-related condition. Last evaluated: 2026-03-27. Review status: criteria provided, single submitter. Criteria: ACMG Guidelines, 2015. Collection method: clinical testing. Allele origin: germline.
Comment: The PCM1 c.1430A>C variant is predicted to result in the amino acid substitution p.Gln477Pro. To our knowledge, this variant has not been reported in the literature or in a large population database (gnomAD), indicating this variant is rare. At this time, the clinical significance of this variant is uncertain due to the absence of conclusive functional and genetic evidence.